The following is an entry in ClinVar:

NM_000135.4(FANCA):c.2976C>T (p.His992=)

Gene: FANCA (FA complementation group A; minus strand). Cytogenetic location: 16q24.3.
Variant type: single nucleotide variant.
Coding change: c.2976C>T on transcript NM_000135.4 (MANE Select); coding-DNA position 2976, C replaced by T.
Protein change: p.His992=; no amino-acid change (histidine 992 retained).
Molecular consequence: synonymous variant.
Genome position (GRCh38, 1-based): chr16:89,758,582, G>A on the plus strand (C>T on the coding strand, the complement: FANCA is on the minus strand). VCF-style: chr16-89758582-G-A. GRCh37 (hg19) VCF-style: chr16-89824990-G-A.
Other names: c.2976C>T (NM_000135.3); c.2976C>T, p.His992= (NM_001286167.3).
Identifiers: ClinVar variation 2084923 (VCV002084923.12), dbSNP rs527882851, ClinGen allele CA8251418.

ClinVar aggregate classification (germline): Likely benign. Review status: criteria provided, multiple submitters, no conflicts (2 of 4 stars). 4 submissions from 4 submitters: Likely benign (4). Last evaluated 2025-10-01.

Conditions:
Inborn genetic diseases. Identifiers: MedGen C0950123, MeSH D030342.
Fanconi anemia (FA). Also called: Fanconi's anemia. Identifiers: Orphanet 84, MedGen C0015625, MeSH D005199, MONDO:0019391.

Allele frequency attached by ClinVar (database versions not stated): TOPMed below 0.00001; ExAC 0.00002; gnomAD 0.00002; 1000 Genomes Project 30x 0.00016; 1000 Genomes Project 0.00020.
gnomAD v4.1: 11 of 1,613,584 alleles (0.00068%); highest among the groups gnomAD compares: South Asian, 0.0099%; no homozygotes.

Submissions (4):

CeGaT Center for Human Genetics Tuebingen
Classification: Likely benign. Last evaluated: 2025-10-01. Review status: criteria provided, single submitter. Criteria: CeGaT Center For Human Genetics Tuebingen Variant Classification Criteria Version 2. Collection method: clinical testing. Allele origin: germline. Affected: yes. Observed: 1 variant allele.
Comment: FANCA: BP4, BP7

Ambry Genetics
Classification: Likely benign for Inborn genetic diseases. Last evaluated: 2025-03-05. Review status: criteria provided, single submitter. Criteria: Ambry Variant Classification Scheme 2023. Collection method: clinical testing. Allele origin: germline.

Labcorp Genetics (formerly Invitae), Labcorp
Classification: Likely benign for Fanconi anemia. Last evaluated: 2025-02-28. Review status: criteria provided, single submitter. Criteria: Invitae Variant Classification Sherloc (09022015). Collection method: clinical testing. Allele origin: germline.

Quest Diagnostics Nichols Institute San Juan Capistrano
Classification: Likely benign. Last evaluated: 2025-01-09. Review status: criteria provided, single submitter. Criteria: Quest Diagnostics criteria. Collection method: clinical testing. Allele origin: unknown.